The following is an entry in ClinVar:

NM_000393.5(COL5A2):c.745-5A>C

Gene: COL5A2 (collagen type V alpha 2 chain; minus strand). Cytogenetic location: 2q32.2.
Variant type: single nucleotide variant.
Coding change: c.745-5A>C on transcript NM_000393.5 (MANE Select); 5 bases into the intron before coding-DNA position 745, A replaced by C.
Molecular consequence: intron variant.
Genome position (GRCh38, 1-based): chr2:189,085,218, T>G on the plus strand (A>C on the coding strand, the complement: COL5A2 is on the minus strand). VCF-style: chr2-189085218-T-G. GRCh37 (hg19) VCF-style: chr2-189949944-T-G.
Identifiers: ClinVar variation 4987933 (VCV004987933.1).

ClinVar aggregate classification (germline): Likely benign (1 of 4 stars; one submission).

Conditions:
COL5A2-related disorder. Also called: COL5A2-related condition.

gnomAD v4.1: 21 of 1,608,620 alleles (0.0013%); highest among the groups gnomAD compares: Non-Finnish European, 0.0017%; no homozygotes.

Submission:

PreventionGenetics, part of Exact Sciences
Classification: Likely benign for COL5A2-related condition. Last evaluated: 2025-08-19. Review status: criteria provided, single submitter. Criteria: ACMG Guidelines, 2015. Collection method: clinical testing. Allele origin: germline.
Comment: This variant is classified as likely benign based on ACMG/AMP sequence variant interpretation guidelines (Richards et al. 2015 PMID: 25741868, with internal and published modifications).